The following is an entry in ClinVar:

ClinVar aggregate classification (germline): Likely pathogenic (1 of 4 stars; one submission).

Conditions:
mitochondrial hepatopathy. Identifiers: MedGen C1328348.

Allele frequency attached by ClinVar (database versions not stated): gnomAD exomes below 0.00001.
gnomAD v4.1: 3 of 1,614,176 alleles (0.00019%); highest among the groups gnomAD compares: Non-Finnish European, 0.00025%; no homozygotes.

Submission:

Laboratory of Inherited Metabolic Diseases, Research centre for medical genetics
Classification: Likely pathogenic for Mitochondrial hepatopathy. Last evaluated: 2019-07-17. Review status: criteria provided, single submitter. Criteria: ACMG Guidelines, 2015. Collection method: clinical testing. Allele origin: germline. Inheritance: Autosomal recessive inheritance. Affected: yes.
Comment: found in compound heterozygous with c.938G>A (p.R313Q)

NM_021830.5(TWNK):c.574C>T (p.Arg192Cys)

Gene: TWNK (twinkle mtDNA helicase; plus strand). Cytogenetic location: 10q24.31.
Variant type: single nucleotide variant.
Coding change: c.574C>T on transcript NM_021830.5 (MANE Select); coding-DNA position 574, C replaced by T.
Protein change: p.Arg192Cys; replaces arginine 192 with cysteine.
Molecular consequence: missense variant. On other transcripts: non-coding transcript variant (4), intron variant (3).
Genome position (GRCh38, 1-based): chr10:100,988,784, C>T. VCF-style: chr10-100988784-C-T. GRCh37 (hg19) VCF-style: chr10-102748541-C-T.
Other names: c.574C>T, p.Arg192Cys (NM_001163812.2); c.-119-860C>T (NM_001163814.2, NM_001163813.2); c.-57-922C>T (NM_001368275.1); short protein forms R192C.
Identifiers: ClinVar variation 694435 (VCV000694435.1), dbSNP rs1590018153, ClinGen allele CA378207697.
Genomic context (GRCh38, chr10:100,988,784, plus strand): 5'-GAGGTTCAGCTGGCTGATACAATGTTTGGCCTTACCAAGGTTACAGATGACACACTCAAG[C>T]GTTTCAGTGTGCGATATCTGCGACCTGCTCGCAGTCTTGTCTTCCCTTGGTTCTCCCCTG-3'
Protein context (NP_068602.2, residues 182-202): LTKVTDDTLK[Arg192Cys]FSVRYLRPAR